The following is an entry in ClinVar:

ClinVar aggregate classification (germline): Pathogenic (1 of 4 stars; one submission).

Conditions:
ALG9 congenital disorder of glycosylation (CDG1L). Also called: CONGENITAL DISORDER OF GLYCOSYLATION, TYPE Il; CDG Il; ALG9-CDG. Identifiers: Orphanet 79328, MedGen C2931006, MONDO:0012117, OMIM 608776.

gnomAD v4.1: 1 of 1,612,804 alleles (0.000062%); highest among the groups gnomAD compares: Non-Finnish European, 0.000085%; no homozygotes.

Submission:

Labcorp Genetics (formerly Invitae), Labcorp
Classification: Pathogenic for ALG9 congenital disorder of glycosylation. Last evaluated: 2023-05-05. Review status: criteria provided, single submitter. Criteria: Invitae Variant Classification Sherloc (09022015). Collection method: clinical testing. Allele origin: germline.
Comment: For these reasons, this variant has been classified as Pathogenic. This variant has not been reported in the literature in individuals affected with ATP6V0A2-related conditions. This variant is not present in population databases (gnomAD no frequency). This sequence change creates a premature translational stop signal (p.Trp222*) in the ATP6V0A2 gene. It is expected to result in an absent or disrupted protein product. Loss-of-function variants in ATP6V0A2 are known to be pathogenic (PMID: 18157129, 19321599).

Literature cited by the submitters: PubMed 18157129; PubMed 19321599.

NM_012463.4(ATP6V0A2):c.666G>A (p.Trp222Ter)

Gene: ATP6V0A2 (ATPase H+ transporting V0 subunit a2; plus strand). Cytogenetic location: 12q24.31.
Variant type: single nucleotide variant.
Coding change: c.666G>A on transcript NM_012463.4 (MANE Select); coding-DNA position 666, G replaced by A.
Protein change: p.Trp222Ter; replaces tryptophan 222 with a stop codon.
Molecular consequence: nonsense.
Genome position (GRCh38, 1-based): chr12:123,733,943, G>A. VCF-style: chr12-123733943-G-A. GRCh37 (hg19) VCF-style: chr12-124218490-G-A.
Other names: short protein forms W222*.
Identifiers: ClinVar variation 2789345 (VCV002789345.3), dbSNP rs774222226, ClinGen allele CA387152911.